The following is an entry in ClinVar:

ClinVar aggregate classification (germline): Uncertain significance (1 of 4 stars; one submission).

Submission:

Labcorp Genetics (formerly Invitae), Labcorp
Classification: Uncertain significance. Last evaluated: 2025-06-15. Review status: criteria provided, single submitter. Criteria: Invitae Variant Classification Sherloc (09022015). Collection method: clinical testing. Allele origin: germline.
Comment: This sequence change replaces asparagine, which is neutral and polar, with histidine, which is basic and polar, at codon 53 of the POLG2 protein (p.Asn53His). This variant is not present in population databases (gnomAD no frequency). This variant has not been reported in the literature in individuals affected with POLG2-related conditions. An algorithm developed to predict the effect of missense changes on protein structure and function (PolyPhen-2) suggests that this variant is likely to be tolerated. In summary, the available evidence is currently insufficient to determine the role of this variant in disease. Therefore, it has been classified as a Variant of Uncertain Significance.

NM_007215.4(POLG2):c.157A>C (p.Asn53His)

Genes: MILR1 (mast cell immunoglobulin like receptor 1; plus strand), POLG2 (DNA polymerase gamma 2, accessory subunit; minus strand). Cytogenetic location: 17q23.3.
Variant type: single nucleotide variant.
Coding change: c.157A>C on transcript NM_007215.4 (MANE Select); coding-DNA position 157, A replaced by C.
Protein change: p.Asn53His; replaces asparagine 53 with histidine.
Molecular consequence: missense variant.
Genome position (GRCh38, 1-based): chr17:64,496,812, T>G on the plus strand (A>C on the coding strand, the complement: POLG2 is on the minus strand). VCF-style: chr17-64496812-T-G. GRCh37 (hg19) VCF-style: chr17-62492930-T-G.
Other names: short protein forms N53H.
Identifiers: ClinVar variation 4699374 (VCV004699374.1).